The following is an entry in ClinVar:

NM_000487.6(ARSA):c.347G>A (p.Arg116Gln)

Gene: ARSA (arylsulfatase A; minus strand). Cytogenetic location: 22q13.33.
Variant type: single nucleotide variant.
Coding change: c.347G>A on transcript NM_000487.6 (MANE Select); coding-DNA position 347, G replaced by A.
Protein change: p.Arg116Gln; replaces arginine 116 with glutamine.
Molecular consequence: missense variant.
Genome position (GRCh38, 1-based): chr22:50,627,284, C>T on the plus strand (G>A on the coding strand, the complement: ARSA is on the minus strand). VCF-style: chr22-50627284-C-T. GRCh37 (hg19) VCF-style: chr22-51065712-C-T.
Other names: c.347G>A, p.Arg116Gln (NM_001085425.3, NM_001085426.3, NM_001085427.3); c.89G>A, p.Arg30Gln (NM_001085428.3, NM_001362782.2); short protein forms R30Q, R116Q.
Identifiers: ClinVar variation 1448830 (VCV001448830.5), dbSNP rs754795152, ClinGen allele CA10325046.

ClinVar aggregate classification (germline): Uncertain significance (1 of 4 stars; one submission).

Conditions:
Metachromatic leukodystrophy (MLD). Also called: CEREBROSIDE SULFATASE DEFICIENCY; METACHROMATIC LEUKOENCEPHALOPATHY; SULFATIDE LIPIDOSIS; ARSA DEFICIENCY; Cerebral sclerosis diffuse metachromatic form; Arylsulfatase A Deficiency. Identifiers: Orphanet 512, MedGen C0023522, MONDO:0018868, OMIM 250100.

Allele frequency attached by ClinVar (database versions not stated): gnomAD exomes below 0.00001; TOPMed 0.00001; ExAC 0.00002.
gnomAD v4.1: 5 of 1,592,608 alleles (0.00031%); highest among the groups gnomAD compares: African/African-American, 0.0027%; no homozygotes.

Submission:

Labcorp Genetics (formerly Invitae), Labcorp
Classification: Uncertain significance for Metachromatic leukodystrophy. Last evaluated: 2021-12-15. Review status: criteria provided, single submitter. Criteria: Invitae Variant Classification Sherloc (09022015). Collection method: clinical testing. Allele origin: germline.
Comment: This sequence change replaces arginine, which is basic and polar, with glutamine, which is neutral and polar, at codon 116 of the ARSA protein (p.Arg116Gln). The frequency data for this variant in the population databases is considered unreliable, as metrics indicate poor data quality at this position in the gnomAD database. This variant has not been reported in the literature in individuals affected with ARSA-related conditions. Advanced modeling of protein sequence and biophysical properties (such as structural, functional, and spatial information, amino acid conservation, physicochemical variation, residue mobility, and thermodynamic stability) performed at Invitae indicates that this missense variant is expected to disrupt ARSA protein function. In summary, the available evidence is currently insufficient to determine the role of this variant in disease. Therefore, it has been classified as a Variant of Uncertain Significance.